The following is an entry in ClinVar:

ClinVar aggregate classification (germline): Conflicting classifications of pathogenicity. Review status: criteria provided, conflicting classifications (1 of 4 stars). 3 submissions from 3 submitters: Uncertain significance (2); Likely benign (1). Last evaluated 2025-07-27.

Conditions:
Hereditary nonpolyposis colorectal neoplasms. Identifiers: MedGen C0009405, MeSH D003123.
Hereditary cancer-predisposing syndrome. Also called: Neoplastic Syndromes, Hereditary; Tumor predisposition; Hereditary Cancer Syndrome; Hereditary neoplastic syndrome. Identifiers: Orphanet 140162, MedGen C0027672, MeSH D009386, MONDO:0015356.

Allele frequency attached by ClinVar (database versions not stated): gnomAD exomes below 0.00001.
gnomAD v4.1: 2 of 1,614,108 alleles (0.00012%); highest among the groups gnomAD compares: South Asian, 0.0011%; no homozygotes.

Submissions (3):

Labcorp Genetics (formerly Invitae), Labcorp
Classification: Likely benign for Hereditary nonpolyposis colorectal neoplasms. Last evaluated: 2025-07-27. Review status: criteria provided, single submitter. Criteria: Invitae Variant Classification Sherloc (09022015). Collection method: clinical testing. Allele origin: germline.

Ambry Genetics
Classification: Uncertain significance for Hereditary cancer-predisposing syndrome. Last evaluated: 2024-06-23. Review status: criteria provided, single submitter. Criteria: Ambry Variant Classification Scheme 2023. Collection method: clinical testing. Allele origin: germline.
Comment: The p.I1079V variant (also known as c.3235A>G), located in coding exon 5 of the MSH6 gene, results from an A to G substitution at nucleotide position 3235. The isoleucine at codon 1079 is replaced by valine, an amino acid with highly similar properties. This amino acid position is not well conserved in available vertebrate species. In addition, the in silico prediction for this alteration is inconclusive. Since supporting evidence is limited at this time, the clinical significance of this alteration remains unclear.

Color Diagnostics, LLC DBA Color Health
Classification: Uncertain significance for Hereditary cancer-predisposing syndrome. Last evaluated: 2023-06-28. Review status: criteria provided, single submitter. Criteria: ACMG Guidelines, 2015. Collection method: clinical testing. Allele origin: germline.
Comment: This missense variant replaces isoleucine with valine at codon 1079 of the MSH6 protein. Computational prediction suggests that this variant may not impact protein structure and function (internally defined REVEL score threshold <= 0.5, PMID: 27666373). To our knowledge, functional studies have not been reported for this variant. This variant has not been reported in individuals affected with MSH6-related disorders in the literature. This variant has been identified in 1/251402 chromosomes in the general population by the Genome Aggregation Database (gnomAD). The available evidence is insufficient to determine the role of this variant in disease conclusively. Therefore, this variant is classified as a Variant of Uncertain Significance.

NM_000179.3(MSH6):c.3235A>G (p.Ile1079Val)

Gene: MSH6 (mutS homolog 6; plus strand). Cytogenetic location: 2p16.3.
Variant type: single nucleotide variant.
Coding change: c.3235A>G on transcript NM_000179.3 (MANE Select); coding-DNA position 3235, A replaced by G.
Protein change: p.Ile1079Val; replaces isoleucine 1079 with valine.
Molecular consequence: missense variant.
Genome position (GRCh38, 1-based): chr2:47,803,482, A>G. VCF-style: chr2-47803482-A-G. GRCh37 (hg19) VCF-style: chr2-48030621-A-G.
Other names: c.2845A>G, p.Ile949Val (NM_001281492.2); c.2329A>G, p.Ile777Val (NM_001281493.2, NM_001281494.2); short protein forms I1079V, I949V, I777V.
Identifiers: ClinVar variation 525860 (VCV000525860.13), dbSNP rs587779933, ClinGen allele CA346758064.